The following is an entry in ClinVar:

NM_001190274.2(FBXO11):c.2526T>C (p.Tyr842=)

Genes: FBXO11 (F-box protein 11; minus strand), MSH6 (mutS homolog 6; plus strand). Cytogenetic location: 2p16.3.
Variant type: single nucleotide variant.
Coding change: c.2526T>C on transcript NM_001190274.2 (MANE Select); coding-DNA position 2526, T replaced by C.
Protein change: p.Tyr842=; no amino-acid change (tyrosine 842 retained).
Molecular consequence: synonymous variant. On other transcripts: intron variant (6).
Genome position (GRCh38, 1-based): chr2:47,809,187, A>G on the plus strand (T>C on the coding strand, the complement: FBXO11 is on the minus strand). VCF-style: chr2-47809187-A-G. GRCh37 (hg19) VCF-style: chr2-48036326-A-G.
Other names: c.2274T>C, p.Tyr758= (NM_001374325.1, NM_025133.4); c.*44-812A>G (NM_001406809.1); c.*41-812A>G (NM_001406796.1, NM_001406811.1, NM_001406805.1 and 2 more transcripts).
Identifiers: ClinVar variation 3050355 (VCV003050355.5), dbSNP rs763533086, ClinGen allele CA068829.

ClinVar aggregate classification (germline): Likely benign. Review status: criteria provided, multiple submitters, no conflicts (2 of 4 stars). 3 submissions from 3 submitters: Likely benign (2). 1 of the submissions does not count toward it. Last evaluated 2026-05-28.

Conditions:
FBXO11-related disorder. Also called: FBXO11-related condition.

Allele frequency attached by ClinVar (database versions not stated): gnomAD exomes 0.00001; ExAC 0.00001; TOPMed 0.00002; gnomAD 0.00001.
gnomAD v4.1: 9 of 1,602,166 alleles (0.00056%); highest among the groups gnomAD compares: East Asian, 0.011%; no homozygotes.

Submissions (3):

Women's Health and Genetics/Laboratory Corporation of America, LabCorp
Classification: Likely benign. Last evaluated: 2026-05-28. Review status: criteria provided, single submitter. Criteria: LabCorp Variant Classification Summary - May 2015. Collection method: clinical testing. Allele origin: germline.

Labcorp Genetics (formerly Invitae), Labcorp
Classification: Likely benign. Last evaluated: 2026-01-13. Review status: criteria provided, single submitter. Criteria: Invitae Variant Classification Sherloc (09022015). Collection method: clinical testing. Allele origin: germline.

PreventionGenetics, part of Exact Sciences
Classification: Likely benign for FBXO11-related condition. Last evaluated: 2019-02-26. Review status: no assertion criteria provided. Collection method: clinical testing. Allele origin: germline. Not counted in ClinVar's aggregate classification.
Comment: This variant is classified as likely benign based on ACMG/AMP sequence variant interpretation guidelines (Richards et al. 2015 PMID: 25741868, with internal and published modifications).